The following is an entry in ClinVar:

NM_019851.3(FGF20):c.343_351del (p.Ser115_Leu117del)

Gene: FGF20 (fibroblast growth factor 20; minus strand). Cytogenetic location: 8p22.
Variant type: Deletion.
Coding change: c.343_351del on transcript NM_019851.3 (MANE Select); coding-DNA positions 343 to 351, 9 bases deleted (AGTGGTCTC; older notation c.343_351delAGTGGTCTC).
Protein change: p.Ser115_Leu117del.
Molecular consequence: inframe deletion.
Genome position (GRCh38, 1-based): chr8:16,995,694-16,995,702, GAGACCACT deleted on the plus strand (AGTGGTCTC on the coding strand, the reverse complement: FGF20 is on the minus strand); deleting any 9 consecutive bases within chr8:16,995,694-16,995,703 gives the same sequence; the c. name uses the placement nearest the transcript's 3' end. VCF-style (leftmost placement, unchanged base first): chr8-16995693-AGAGACCACT-A. GRCh37 (hg19) VCF-style: chr8-16853202-AGAGACCACT-A.
Identifiers: ClinVar variation 2019844 (VCV002019844.4), dbSNP rs2536539683, ClinGen allele CA2580078021.

ClinVar aggregate classification (germline): Uncertain significance (1 of 4 stars; one submission).

Submission:

Labcorp Genetics (formerly Invitae), Labcorp
Classification: Uncertain significance. Last evaluated: 2024-02-29. Review status: criteria provided, single submitter. Criteria: Invitae Variant Classification Sherloc (09022015). Collection method: clinical testing. Allele origin: germline.
Comment: This variant, c.343_351del, results in the deletion of 3 amino acid(s) of the FGF20 protein (p.Ser115_Leu117del), but otherwise preserves the integrity of the reading frame. This variant is not present in population databases (gnomAD no frequency). This variant has not been reported in the literature in individuals affected with FGF20-related conditions. ClinVar contains an entry for this variant (Variation ID: 2019844). Experimental studies and prediction algorithms are not available or were not evaluated, and the functional significance of this variant is currently unknown. In summary, the available evidence is currently insufficient to determine the role of this variant in disease. Therefore, it has been classified as a Variant of Uncertain Significance.